The following is an entry in ClinVar:

ClinVar aggregate classification (germline): Pathogenic/Likely pathogenic. Review status: criteria provided, multiple submitters, no conflicts (2 of 4 stars). 8 submissions from 7 submitters: Pathogenic (3); Likely pathogenic (4). 1 of the submissions does not count toward it. Last evaluated 2025-02-11.

Conditions:
ABCA4-related disorder. Also called: ABCA4-related condition; ABCA4-related disorders. Identifiers: MedGen CN239167.
Retinal dystrophy. Also called: Inherited retinal dystrophy. Identifiers: Orphanet 71862, MedGen C0854723, MeSH D058499, MONDO:0019118, HP:0000556.
Severe early-childhood-onset retinal dystrophy (STGD1). Also called: MACULAR DYSTROPHY WITH FLECKS, TYPE 1; STGD; Stargardt macular dystrophy; Juvenile onset macular degeneration; Stargardt disease 1. Identifiers: Orphanet 364055, Orphanet 827, MedGen C1855465, MeSH D000080362, MONDO:0009549, OMIM 248200.

Allele frequency attached by ClinVar (database versions not stated): gnomAD exomes below 0.00001; TOPMed below 0.00001; gnomAD 0.00001.
gnomAD v4.1: 3 of 1,614,072 alleles (0.00019%); highest among the groups gnomAD compares: Non-Finnish European, 0.00025%; no homozygotes.

Submissions (8):

Labcorp Genetics (formerly Invitae), Labcorp
Classification: Pathogenic. Last evaluated: 2025-02-11. Review status: criteria provided, single submitter. Criteria: Invitae Variant Classification Sherloc (09022015). Collection method: clinical testing. Allele origin: germline.
Comment: This sequence change replaces cysteine, which is neutral and slightly polar, with tyrosine, which is neutral and polar, at codon 764 of the ABCA4 protein (p.Cys764Tyr). This variant is present in population databases (rs61749428, gnomAD 0.007%). This missense change has been observed in individual(s) with autosomal recessive Stargardt disease (PMID: 10958763, 28118664, 33546218). ClinVar contains an entry for this variant (Variation ID: 99123). Invitae Evidence Modeling of protein sequence and biophysical properties (such as structural, functional, and spatial information, amino acid conservation, physicochemical variation, residue mobility, and thermodynamic stability) indicates that this missense variant is expected to disrupt ABCA4 protein function with a positive predictive value of 95%. For these reasons, this variant has been classified as Pathogenic.

GeneDx
Classification: Likely pathogenic. Last evaluated: 2024-01-29. Review status: criteria provided, single submitter. Criteria: GeneDx Variant Classification Process June 2021. Collection method: clinical testing. Allele origin: germline. Affected: yes.
Comment: Published functional studies suggest this variant results in mild impairment of ABCA4 expression and functional properties, however additional studies are needed to validate the functional effect of this variant (PMID: 33375396); Not observed at significant frequency in large population cohorts (gnomAD); In silico analysis supports that this missense variant has a deleterious effect on protein structure/function; This variant is associated with the following publications: (PMID: 10958763, 31964843, 28118664, 32531858, 33546218, 33375396)

Institute of Medical Molecular Genetics, University of Zurich
Classification: Likely pathogenic for Severe early-childhood-onset retinal dystrophy. Last evaluated: 2021-01-30. Review status: criteria provided, single submitter. Criteria: ACMG Guidelines, 2015. Collection method: clinical testing. Allele origin: unknown. Affected: yes.

Blueprint Genetics
Classification: Pathogenic for ABCA4-related disorders. Last evaluated: 2020-01-13. Review status: criteria provided, single submitter. Criteria: ACMG Guidelines, 2015. Collection method: clinical testing. Allele origin: germline. Affected: yes. Observed: 5 variant alleles.

Institute of Human Genetics, Univ. Regensburg, Univ. Regensburg
Classification: Likely pathogenic for Retinal dystrophy. Last evaluated: 2020-01-01. Review status: criteria provided, single submitter. Criteria: ACMG Guidelines, 2015. Collection method: clinical testing. Allele origin: germline. Affected: yes.

CeGaT Center for Human Genetics Tuebingen
Classification: Pathogenic. Last evaluated: 2017-12-01. Review status: criteria provided, single submitter. Criteria: CeGaT Center For Human Genetics Tuebingen Variant Classification Criteria Version 2. Collection method: clinical testing. Allele origin: germline. Affected: yes. Observed: 1 variant allele.

Institute of Human Genetics, Univ. Regensburg, Univ. Regensburg
Classification: Likely pathogenic for Severe early-childhood-onset retinal dystrophy. Last evaluated: 2016-01-01. Review status: criteria provided, single submitter. Criteria: Schulz et al. (Invest Ophthalmol Vis Sci. 2017). Collection method: clinical testing. Allele origin: germline. Affected: yes. Observed: 2 heterozygotes.

Retina International
No classification provided. Review status: no classification provided. Collection method: not provided. Allele origin: not provided. Not counted in ClinVar's aggregate classification.

Literature cited by the submitters: PubMed 10958763 (cited by Labcorp Genetics (formerly Invitae), Labcorp and Institute of Human Genetics, Univ. Regensburg, Univ. Regensburg); PubMed 28118664 (cited by Labcorp Genetics (formerly Invitae), Labcorp); PubMed 33546218 (cited by Labcorp Genetics (formerly Invitae), Labcorp); PubMed 33375396 (cited by Institute of Human Genetics, Univ. Regensburg, Univ. Regensburg); PubMed 31964843 (cited by Institute of Human Genetics, Univ. Regensburg, Univ. Regensburg); PubMed 32531858 (cited by Institute of Human Genetics, Univ. Regensburg, Univ. Regensburg).

NM_000350.3(ABCA4):c.2291G>A (p.Cys764Tyr)

Gene: ABCA4 (ATP binding cassette subfamily A member 4; minus strand). Cytogenetic location: 1p22.1.
Variant type: single nucleotide variant.
Coding change: c.2291G>A on transcript NM_000350.3 (MANE Select); coding-DNA position 2291, G replaced by A.
Protein change: p.Cys764Tyr; replaces cysteine 764 with tyrosine.
Molecular consequence: missense variant.
Genome position (GRCh38, 1-based): chr1:94,056,692, C>T on the plus strand (G>A on the coding strand, the complement: ABCA4 is on the minus strand). VCF-style: chr1-94056692-C-T. GRCh37 (hg19) VCF-style: chr1-94522248-C-T.
Other names: short protein forms C764Y.
Identifiers: ClinVar variation 99123 (VCV000099123.52), dbSNP rs61749428, ClinGen allele CA226986.